The following is an entry in ClinVar:

ClinVar aggregate classification (germline): Uncertain significance (1 of 4 stars; one submission).

Conditions:
Long QT syndrome (LQTS). Identifiers: MedGen C0023976, MeSH D008133, MONDO:0002442. Disease mechanism: loss of function. Inheritance: Various modes of inheritance.

Allele frequency attached by ClinVar (database versions not stated): gnomAD exomes below 0.00001; gnomAD 0.00001.
gnomAD v4.1: 5 of 1,613,980 alleles (0.00031%); highest among the groups gnomAD compares: African/African-American, 0.0067%; no homozygotes.

Submission:

Labcorp Genetics (formerly Invitae), Labcorp
Classification: Uncertain significance for Long QT syndrome. Last evaluated: 2021-02-21. Review status: criteria provided, single submitter. Criteria: Invitae Variant Classification Sherloc (09022015). Collection method: clinical testing. Allele origin: germline.
Comment: In summary, the available evidence is currently insufficient to determine the role of this variant in disease. Therefore, it has been classified as a Variant of Uncertain Significance. This sequence change replaces aspartic acid with histidine at codon 3889 of the ANK2 protein (p.Asp3889His). The aspartic acid residue is highly conserved and there is a moderate physicochemical difference between aspartic acid and histidine. This variant is not present in population databases (ExAC no frequency). This variant has not been reported in the literature in individuals with ANK2-related conditions. Algorithms developed to predict the effect of missense changes on protein structure and function are either unavailable or do not agree on the potential impact of this missense change (SIFT: "Deleterious"; PolyPhen-2: "Probably Damaging"; Align-GVGD: "Class C0").

NM_001148.6(ANK2):c.11665G>C (p.Asp3889His)

Gene: ANK2 (ankyrin 2; plus strand). Cytogenetic location: 4q26.
Variant type: single nucleotide variant.
Coding change: c.11665G>C on transcript NM_001148.6 (MANE Select); coding-DNA position 11665, G replaced by C.
Protein change: p.Asp3889His; replaces aspartic acid 3889 with histidine.
Molecular consequence: missense variant. On other transcripts: intron variant (1).
Genome position (GRCh38, 1-based): chr4:113,373,144, G>C. VCF-style: chr4-113373144-G-C. GRCh37 (hg19) VCF-style: chr4-114294300-G-C.
Other names: c.5383G>C, p.Asp1795His (NM_001127493.3); c.5422G>C, p.Asp1808His (NM_001354225.2); c.5404G>C, p.Asp1802His (NM_001354228.2); c.5389G>C, p.Asp1797His (NM_001354230.2); c.5545G>C, p.Asp1849His (NM_001354231.2); c.5539G>C, p.Asp1847His (NM_001354232.2); c.5500G>C, p.Asp1834His (NM_001354235.2); c.5308G>C, p.Asp1770His (NM_001354236.2); and 44 more; short protein forms D1761H, D1771H, D1803H, D1814H, D1818H, D1825H, D635H, D980H.
Identifiers: ClinVar variation 1443791 (VCV001443791.8), dbSNP rs994135691, ClinGen allele CA103826991.
Genomic context (GRCh38, chr4:113,373,144, plus strand): 5'-GTTTAGGGAGACGATATGCCTGAAATACCCCCAGAAACAGTCACAGAAGAAGAATACATT[G>C]ATGAGCATGGACACACCGTGGTAAAGAAGGTATTGTCTAGTATATCCTAACAGGGTTGAT-3'
Protein context (NP_001139.3, residues 3879-3899): PETVTEEEYI[Asp3889His]EHGHTVVKKV